The following is an entry in ClinVar:

NM_024422.6(DSC2):c.1918G>A (p.Asp640Asn)

Gene: DSC2 (desmocollin 2; minus strand). Cytogenetic location: 18q12.1.
Variant type: single nucleotide variant.
Coding change: c.1918G>A on transcript NM_024422.6 (MANE Select); coding-DNA position 1918, G replaced by A.
Protein change: p.Asp640Asn; replaces aspartic acid 640 with asparagine.
Molecular consequence: missense variant.
Genome position (GRCh38, 1-based): chr18:31,071,812, C>T on the plus strand (G>A on the coding strand, the complement: DSC2 is on the minus strand). VCF-style: chr18-31071812-C-T. GRCh37 (hg19) VCF-style: chr18-28651778-C-T.
Other names: c.1918G>A, p.Asp640Asn (NM_004949.5); short protein forms D640N.
Identifiers: ClinVar variation 80797 (VCV000080797.14), dbSNP rs267605146, ClinGen allele CA033915.
Genomic context (GRCh38, chr18:31,071,812, plus strand): 5'-TAGACATGCCAAGTCTATCTCTCACTGTTATAGGTACTACATATGAGCCAAATGGAGGAT[C>T]ATTCTGATAGGAAAGACGTGCTGCTGTATCTGAAAATATAAATAAATAAAACCAAACATT-3'
Protein context (NP_077740.1, residues 630-650): DTAARLSYQN[Asp640Asn]PPFGSYVVPI

ClinVar aggregate classification (germline): Conflicting classifications of pathogenicity. Review status: criteria provided, conflicting classifications (1 of 4 stars). 4 submissions from 4 submitters: Uncertain significance (3); Likely benign (1). Last evaluated 2025-08-20.

Conditions:
Familial isolated arrhythmogenic right ventricular dysplasia. Identifiers: Orphanet 217656, MedGen C4274968, MONDO:0016342.
Cardiomyopathy (CMYO). Also called: Cardiomyopathies. Identifiers: Orphanet 167848, MedGen C0878544, MONDO:0004994, HP:0001638. Inheritance: Various modes of inheritance.
Arrhythmogenic right ventricular dysplasia 11. Also called: ARRHYTHMOGENIC RIGHT VENTRICULAR DYSPLASIA, FAMILIAL, 11; Arrhythmogenic right ventricular dysplasia 11 with mild palmoplantar keratoderma and woolly hair; Arrhythmogenic Right Ventricular Dysplasia/Cardiomyopathy11. Identifiers: MedGen C1864850, MONDO:0012506, OMIM 610476.

Allele frequency attached by ClinVar (database versions not stated): TOPMed below 0.00001; ExAC 0.00001.
gnomAD v4.1: 3 of 1,613,888 alleles (0.00019%); highest among the groups gnomAD compares: Middle Eastern, 0.016%; no homozygotes.

Submissions (4):

Color Diagnostics, LLC DBA Color Health
Classification: Likely benign for Cardiomyopathy. Last evaluated: 2025-08-20. Review status: criteria provided, single submitter. Criteria: ACMG Guidelines, 2015. Collection method: clinical testing. Allele origin: germline.

All of Us Research Program, National Institutes of Health
Classification: Uncertain significance for Familial isolated arrhythmogenic right ventricular dysplasia. Last evaluated: 2024-08-06. Review status: criteria provided, single submitter. Criteria: ACMG Guidelines, 2015. Collection method: clinical testing. Allele origin: germline. Inheritance: Autosomal dominant inheritance. Observed: 3 variant alleles, 3 heterozygotes.
Comment: This missense variant replaces aspartic acid with asparagine at codon 640 of the DSC2 protein. Computational prediction suggests that this variant may not impact protein structure and function (internally defined REVEL score threshold <= 0.5, PMID: 27666373). To our knowledge, functional studies have not been reported for this variant. This variant has been reported in an individual who experienced sudden cardiac death, who was diagnosed with arrhythmogenic cardiomyopathy at autopsy and determined to carry another pathogenic variant in the DSP gene (PMID: 31534214). This variant has been identified in 1/250566 chromosomes in the general population by the Genome Aggregation Database (gnomAD). The available evidence is insufficient to determine the role of this variant in disease conclusively. Therefore, this variant is classified as a Variant of Uncertain Significance.

This study involves interpretation of variants in research participants for the purpose of population health screening. Participant phenotype was not available at the time of variant classification. Additional details can be found in publication PMID: 35346344, PMCID: PMC8962531

Labcorp Genetics (formerly Invitae), Labcorp
Classification: Uncertain significance for Arrhythmogenic right ventricular dysplasia 11. Last evaluated: 2021-12-25. Review status: criteria provided, single submitter. Criteria: Invitae Variant Classification Sherloc (09022015). Collection method: clinical testing. Allele origin: germline.
Comment: This sequence change replaces aspartic acid, which is acidic and polar, with asparagine, which is neutral and polar, at codon 640 of the DSC2 protein (p.Asp640Asn). This variant is present in population databases (rs267605146, gnomAD 0.0009%). This missense change has been observed in individual(s) with arrhythmogenic cardiomyopathy on autopsy (PMID: 31534214). ClinVar contains an entry for this variant (Variation ID: 80797). Algorithms developed to predict the effect of missense changes on protein structure and function are either unavailable or do not agree on the potential impact of this missense change (SIFT: "Tolerated"; PolyPhen-2: "Probably Damaging"; Align-GVGD: "Class C0"). In summary, the available evidence is currently insufficient to determine the role of this variant in disease. Therefore, it has been classified as a Variant of Uncertain Significance.

GeneDx
Classification: Uncertain significance. Last evaluated: 2019-03-28. Review status: criteria provided, single submitter. Criteria: GeneDx Variant Classification Process June 2021. Collection method: clinical testing. Allele origin: germline. Affected: yes.
Comment: Has not been previously published as pathogenic or benign to our knowledge; Not observed at a significant frequency in large population cohorts (Lek et al., 2016); In silico analysis, which includes protein predictors and evolutionary conservation, supports that this variant does not alter protein structure/function; This variant is associated with the following publications: (PMID: 31534214)

Literature cited by the submitters: PubMed 31534214 (cited by All of Us Research Program, National Institutes of Health and Labcorp Genetics (formerly Invitae), Labcorp).